The following is an entry in ClinVar:

ClinVar aggregate classification (germline): Pathogenic (1 of 4 stars; one submission).

Conditions:
Lynch syndrome 5 (LYNCH5). Also called: Colorectal cancer, hereditary nonpolyposis, type 5; Hereditary non-polyposis colorectal cancer, type 5. Identifiers: Orphanet 144, MedGen C1833477, MONDO:0013710, OMIM 614350. Disease mechanism: loss of function.

Allele frequency attached by ClinVar (database versions not stated): gnomAD exomes below 0.00001.
gnomAD v4.1: 2 of 1,614,110 alleles (0.00012%); highest among the groups gnomAD compares: Non-Finnish European, 0.000085%; no homozygotes.

Submission:

Myriad Genetics, Inc.
Classification: Pathogenic for Lynch syndrome 5. Last evaluated: 2023-08-16. Review status: criteria provided, single submitter. Criteria: Myriad Autosomal Dominant, Autosomal Recessive and X-Linked Classification Criteria (2023). Collection method: clinical testing. Allele origin: unknown.
Comment: This variant is considered pathogenic. This variant creates a termination codon and is predicted to result in premature protein truncation.

NM_000179.3(MSH6):c.2326C>T (p.Gln776Ter)

Gene: MSH6 (mutS homolog 6; plus strand). Cytogenetic location: 2p16.3.
Variant type: single nucleotide variant.
Coding change: c.2326C>T on transcript NM_000179.3 (MANE Select); coding-DNA position 2326, C replaced by T.
Protein change: p.Gln776Ter; replaces glutamine 776 with a stop codon.
Molecular consequence: nonsense. On other transcripts: non-coding transcript variant (5), intron variant (3).
Genome position (GRCh38, 1-based): chr2:47,800,309, C>T. VCF-style: chr2-47800309-C-T. GRCh37 (hg19) VCF-style: chr2-48027448-C-T.
Other names: c.1936C>T, p.Gln646Ter (NM_001281492.2); c.1420C>T, p.Gln474Ter (NM_001281493.2, NM_001281494.2, NM_001406811.1 and 6 more transcripts); c.2422C>T, p.Gln808Ter (NM_001406795.1, NM_001406802.1); c.2326C>T, p.Gln776Ter (NM_001406796.1, NM_001406798.1, NM_001406800.1 and 2 more transcripts); c.2029C>T, p.Gln677Ter (NM_001406797.1, NM_001406801.1, NM_001406805.1 and 10 more transcripts); c.1801C>T, p.Gln601Ter (NM_001406799.1, NM_001406806.1, NM_001406807.1); c.2248C>T, p.Gln750Ter (NM_001406804.1); c.2332C>T, p.Gln778Ter (NM_001406813.1); and 4 more; short protein forms Q474*, Q601*, Q646*, Q677*, Q720*, Q750*, Q776*, Q778*.
Identifiers: ClinVar variation 2673615 (VCV002673615.1), dbSNP rs2104400928, ClinGen allele CA346753294.